The following is an entry in ClinVar:

ClinVar aggregate classification (germline): Uncertain significance (1 of 4 stars; one submission).

gnomAD v4.1: 3 of 1,614,064 alleles (0.00019%); highest among the groups gnomAD compares: Non-Finnish European, 0.00025%; no homozygotes.

Submission:

Labcorp Genetics (formerly Invitae), Labcorp
Classification: Uncertain significance. Last evaluated: 2021-11-18. Review status: criteria provided, single submitter. Criteria: Invitae Variant Classification Sherloc (09022015). Collection method: clinical testing. Allele origin: germline.
Comment: In summary, the available evidence is currently insufficient to determine the role of this variant in disease. Therefore, it has been classified as a Variant of Uncertain Significance. Algorithms developed to predict the effect of missense changes on protein structure and function are either unavailable or do not agree on the potential impact of this missense change (SIFT: "Deleterious"; PolyPhen-2: "Probably Damaging"; Align-GVGD: "Class C15"). This variant has not been reported in the literature in individuals affected with NBAS-related conditions. This variant is present in population databases (no rsID available, gnomAD 0.0009%). This sequence change replaces leucine, which is neutral and non-polar, with phenylalanine, which is neutral and non-polar, at codon 1824 of the NBAS protein (p.Leu1824Phe).

NM_015909.4(NBAS):c.5472G>C (p.Leu1824Phe)

Gene: NBAS (NBAS subunit of NRZ tethering complex; minus strand). Cytogenetic location: 2p24.3.
Variant type: single nucleotide variant.
Coding change: c.5472G>C on transcript NM_015909.4 (MANE Select); coding-DNA position 5472, G replaced by C.
Protein change: p.Leu1824Phe; replaces leucine 1824 with phenylalanine.
Molecular consequence: missense variant. On other transcripts: non-coding transcript variant (1).
Genome position (GRCh38, 1-based): chr2:15,275,736, C>G on the plus strand (G>C on the coding strand, the complement: NBAS is on the minus strand). VCF-style: chr2-15275736-C-G. GRCh37 (hg19) VCF-style: chr2-15415860-C-G.
Other names: short protein forms L1824F.
Identifiers: ClinVar variation 1449776 (VCV001449776.6), dbSNP rs1210321900, ClinGen allele CA345883192.